The following is an entry in ClinVar:

ClinVar aggregate classification (germline): Uncertain significance (1 of 4 stars; one submission).

Conditions:
Singleton-Merten syndrome 1 (SGMRT1). Also called: Syndrome of widened medullary cavities of the metacarpals and phalanges, aortic calcification and abnormal dentition; Widened medullary cavities of bone, aortic calcification, abnormal dentition, and muscular weakness. Identifiers: Orphanet 85191, MedGen C4225427, MONDO:0024535, OMIM 182250.
Aicardi-Goutieres syndrome 7 (AGS7). Identifiers: Orphanet 51, MedGen C3888244, MONDO:0014367, OMIM 615846.

Submission:

Labcorp Genetics (formerly Invitae), Labcorp
Classification: Uncertain significance for Aicardi-Goutieres syndrome 7; Singleton-Merten syndrome 1. Last evaluated: 2024-01-06. Review status: criteria provided, single submitter. Criteria: Invitae Variant Classification Sherloc (09022015). Collection method: clinical testing. Allele origin: germline.
Comment: This sequence change replaces glutamine, which is neutral and polar, with arginine, which is basic and polar, at codon 27 of the IFIH1 protein (p.Gln27Arg). This variant is not present in population databases (gnomAD no frequency). This variant has not been reported in the literature in individuals affected with IFIH1-related conditions. Algorithms developed to predict the effect of missense changes on protein structure and function output the following: SIFT: "Not Available"; PolyPhen-2: "Benign"; Align-GVGD: "Not Available". The arginine amino acid residue is found in multiple mammalian species, which suggests that this missense change does not adversely affect protein function. In summary, the available evidence is currently insufficient to determine the role of this variant in disease. Therefore, it has been classified as a Variant of Uncertain Significance.

NM_022168.4(IFIH1):c.80A>G (p.Gln27Arg)

Gene: IFIH1 (interferon induced with helicase C domain 1; minus strand). Cytogenetic location: 2q24.2.
Variant type: single nucleotide variant.
Coding change: c.80A>G on transcript NM_022168.4 (MANE Select); coding-DNA position 80, A replaced by G.
Protein change: p.Gln27Arg; replaces glutamine 27 with arginine.
Molecular consequence: missense variant.
Genome position (GRCh38, 1-based): chr2:162,318,228, T>C on the plus strand (A>G on the coding strand, the complement: IFIH1 is on the minus strand). VCF-style: chr2-162318228-T-C. GRCh37 (hg19) VCF-style: chr2-163174738-T-C.
Other names: short protein forms Q27R.
Identifiers: ClinVar variation 2921715 (VCV002921715.3), dbSNP rs1261297304, ClinGen allele CA349014569.